The following is an entry in ClinVar:

NM_019892.6(INPP5E):c.1549+10T>C

Gene: INPP5E (inositol polyphosphate-5-phosphatase E; minus strand). Cytogenetic location: 9q34.3.
Variant type: single nucleotide variant.
Coding change: c.1549+10T>C on transcript NM_019892.6 (MANE Select); 10 bases into the intron after coding-DNA position 1549, T replaced by C.
Molecular consequence: intron variant.
Genome position (GRCh38, 1-based): chr9:136,431,814, A>G on the plus strand (T>C on the coding strand, the complement: INPP5E is on the minus strand). VCF-style: chr9-136431814-A-G. GRCh37 (hg19) VCF-style: chr9-139326266-A-G.
Other names: c.1546+10T>C (NM_001318502.2).
Identifiers: ClinVar variation 3349054 (VCV003349054.1).
Genomic context (GRCh38, chr9:136,431,814, plus strand): 5'-CTCCACGCCCGCCCCCCCAGGCCCTCACCTCTCCTCATCTCCCTCCATGCCCGCCCCCCC[A>G]GGCCCTCACCTTTCCGCATCTCCCGGATGAGCTGGTCGTGCTGCAGCAGCGCCGGCACGT-3'

ClinVar aggregate classification (germline): Likely benign (0 of 4 stars; one submission).

Conditions:
INPP5E-related disorder. Also called: INPP5E-related condition.

Submission:

PreventionGenetics, part of Exact Sciences
Classification: Likely benign for INPP5E-related condition. Last evaluated: 2024-03-07. Review status: no assertion criteria provided. Collection method: clinical testing. Allele origin: germline.
Comment: This variant is classified as likely benign based on ACMG/AMP sequence variant interpretation guidelines (Richards et al. 2015 PMID: 25741868, with internal and published modifications).